The following is an entry in ClinVar:

ClinVar aggregate classification (germline): Uncertain significance (1 of 4 stars; one submission).

Conditions:
Hyperekplexia 2 (HKPX2). Identifiers: Orphanet 3197, MedGen C3553291, MONDO:0013828, OMIM 614619.

Submission:

Labcorp Genetics (formerly Invitae), Labcorp
Classification: Uncertain significance for Hyperekplexia 2. Last evaluated: 2022-01-27. Review status: criteria provided, single submitter. Criteria: Invitae Variant Classification Sherloc (09022015). Collection method: clinical testing. Allele origin: germline.
Comment: In summary, the available evidence is currently insufficient to determine the role of this variant in disease. Therefore, it has been classified as a Variant of Uncertain Significance. Experimental studies and prediction algorithms are not available or were not evaluated, and the functional significance of this variant is currently unknown. This variant has not been reported in the literature in individuals affected with GLRB-related conditions. This variant is not present in population databases (gnomAD no frequency). This variant, c.186_197del, results in the deletion of 4 amino acid(s) of the GLRB protein (p.Arg62_Val65del), but otherwise preserves the integrity of the reading frame.

NM_000824.5(GLRB):c.186_197del (p.Arg62_Val65del)

Gene: GLRB (glycine receptor beta; plus strand). Cytogenetic location: 4q32.1.
Variant type: Deletion.
Coding change: c.186_197del on transcript NM_000824.5 (MANE Select); coding-DNA positions 186 to 197, 12 bases deleted (GTTATTGGTCAG).
Protein change: p.Arg62_Val65del.
Molecular consequence: inframe deletion.
Genome position (GRCh38, 1-based): chr4:157,120,619-157,120,630, GTTATTGGTCAG deleted; deleting any 12 consecutive bases within chr4:157,120,616-157,120,630 gives the same sequence; the c. name uses the placement nearest the transcript's 3' end. VCF-style (leftmost placement, unchanged base first): chr4-157120615-ACAGGTTATTGGT-A. GRCh37 (hg19) VCF-style: chr4-158041767-ACAGGTTATTGGT-A.
Other names: c.186_197del, p.Arg62_Val65del (NM_001166060.2, NM_001166061.2).
Identifiers: ClinVar variation 2058197 (VCV002058197.4), dbSNP rs1212784259, ClinGen allele CA789615312.